The following is an entry in ClinVar:

NM_001330078.2(NRXN1):c.1272C>A (p.Asp424Glu)

Gene: NRXN1 (neurexin 1; minus strand). Cytogenetic location: 2p16.3.
Variant type: single nucleotide variant.
Coding change: c.1272C>A on transcript NM_001330078.2 (MANE Select); coding-DNA position 1272, C replaced by A.
Protein change: p.Asp424Glu; replaces aspartic acid 424 with glutamic acid.
Molecular consequence: missense variant.
Genome position (GRCh38, 1-based): chr2:50,620,070, G>T on the plus strand (C>A on the coding strand, the complement: NRXN1 is on the minus strand). VCF-style: chr2-50620070-G-T. GRCh37 (hg19) VCF-style: chr2-50847208-G-T.
Other names: c.1392C>A, p.Asp464Glu (NM_001135659.3); c.1248C>A, p.Asp416Glu (NM_001330077.2, NM_001330082.2, NM_001330095.2); c.1233C>A, p.Asp411Glu (NM_001330083.2, NM_001330084.2); c.1272C>A, p.Asp424Glu (NM_001330085.2, NM_001330086.2, NM_004801.6); c.1188C>A, p.Asp396Glu (NM_001330087.2, NM_001330096.2); c.1218C>A, p.Asp406Glu (NM_001330088.2); c.1269C>A, p.Asp423Glu (NM_001330093.2); c.1260C>A, p.Asp420Glu (NM_001330094.2); short protein forms D396E, D416E, D420E, D406E, D423E, D411E, D424E, D464E.
Identifiers: ClinVar variation 3639389 (VCV003639389.2).

ClinVar aggregate classification (germline): Uncertain significance (1 of 4 stars; one submission).

Conditions:
Pitt-Hopkins-like syndrome 2 (PTHSL2). Identifiers: Orphanet 221150, Orphanet 600663, MedGen C3280479, MONDO:0013690, OMIM 614325.

Submission:

Labcorp Genetics (formerly Invitae), Labcorp
Classification: Uncertain significance for Pitt-Hopkins-like syndrome 2. Last evaluated: 2025-10-01. Review status: criteria provided, single submitter. Criteria: Invitae Variant Classification Sherloc (09022015). Collection method: clinical testing. Allele origin: germline.
Comment: This sequence change replaces aspartic acid, which is acidic and polar, with glutamic acid, which is acidic and polar, at codon 464 of the NRXN1 protein (p.Asp464Glu). This variant is not present in population databases (gnomAD no frequency). This variant has not been reported in the literature in individuals affected with NRXN1-related conditions. ClinVar contains an entry for this variant (Variation ID: 3639389). An algorithm developed to predict the effect of missense changes on protein structure and function (PolyPhen-2) suggests that this variant is likely to be disruptive. In summary, the available evidence is currently insufficient to determine the role of this variant in disease. Therefore, it has been classified as a Variant of Uncertain Significance.